The following is an entry in ClinVar:

ClinVar aggregate classification (germline): Pathogenic. Review status: criteria provided, multiple submitters, no conflicts (2 of 4 stars). 2 submissions from 2 submitters: Pathogenic (2). Last evaluated 2025-07-24.

Conditions:
Neurofibromatosis, type 1 (NF1). Also called: NEUROFIBROMATOSIS, TYPE I, SOMATIC; Neurofibromatosis, type I; Peripheral type neurofibromatosis; VON RECKLINGHAUSEN DISEASE. Identifiers: Orphanet 636, MedGen C0027831, MONDO:0018975, OMIM 162200. Disease mechanism: loss of function.
Cardiovascular phenotype. Identifiers: MedGen CN230736.
Hereditary cancer-predisposing syndrome. Also called: Tumor predisposition; Hereditary Cancer Syndrome; Neoplastic Syndromes, Hereditary; Hereditary neoplastic syndrome. Identifiers: Orphanet 140162, MedGen C0027672, MeSH D009386, MONDO:0015356.

Submissions (2):

Ambry Genetics
Classification: Pathogenic for Cardiovascular phenotype; Hereditary cancer-predisposing syndrome. Last evaluated: 2025-07-24. Review status: criteria provided, single submitter. Criteria: Ambry Variant Classification Scheme 2023. Collection method: clinical testing. Allele origin: germline.
Comment: The c.5774dupT pathogenic mutation, located in coding exon 39 of the NF1 gene, results from a duplication of T at nucleotide position 5774, causing a translational frameshift with a predicted alternate stop codon (p.L1925Ffs*18). This variant was reported in individual(s) with features consistent with neurofibromatosis type 1 (Ambry internal data). This variant is considered to be rare based on population cohorts in the Genome Aggregation Database (gnomAD). This alteration is expected to result in loss of function by premature protein truncation or nonsense-mediated mRNA decay. As such, this alteration is interpreted as a disease-causing mutation.

Labcorp Genetics (formerly Invitae), Labcorp
Classification: Pathogenic for Neurofibromatosis, type 1. Last evaluated: 2022-03-15. Review status: criteria provided, single submitter. Criteria: Invitae Variant Classification Sherloc (09022015). Collection method: clinical testing. Allele origin: germline.
Comment: For these reasons, this variant has been classified as Pathogenic. This variant has not been reported in the literature in individuals affected with NF1-related conditions. This variant is not present in population databases (gnomAD no frequency). This sequence change creates a premature translational stop signal (p.Leu1925Phefs*18) in the NF1 gene. It is expected to result in an absent or disrupted protein product. Loss-of-function variants in NF1 are known to be pathogenic (PMID: 10712197, 23913538).

Literature cited by the submitters: PubMed 10712197 (cited by Labcorp Genetics (formerly Invitae), Labcorp); PubMed 23913538 (cited by Labcorp Genetics (formerly Invitae), Labcorp).

NM_001042492.3(NF1):c.5837dup (p.Leu1946fs)

Gene: NF1 (neurofibromin 1; plus strand). Cytogenetic location: 17q11.2.
Variant type: Duplication.
Coding change: c.5837dup on transcript NM_001042492.3 (MANE Select); coding-DNA position 5837, one base duplicated (T; older notation c.5837dupT).
Protein change: p.Leu1946fs; shifts the reading frame from leucine 1946.
Molecular consequence: frameshift variant.
Genome position (GRCh38, 1-based): chr17:31,334,862, T duplicated; the last of 3 consecutive T bases (chr17:31,334,860-31,334,862); duplicating any one gives the same sequence. VCF-style (leftmost placement, unchanged base first): chr17-31334859-G-GT. GRCh37 (hg19) VCF-style: chr17-29661877-G-GT.
Other names: c.5774dupT (NM_000267.3); c.5774dup, p.Leu1925Phefs (NM_000267.4); short protein forms L1925fs, L1946fs.
Identifiers: ClinVar variation 2111843 (VCV002111843.5), dbSNP rs2069601882, ClinGen allele CA2580092955.